The following is an entry in ClinVar:

NM_002796.3(PSMB4):c.576+5del

Gene: PSMB4 (proteasome 20S subunit beta 4; plus strand). Cytogenetic location: 1q21.3.
Variant type: Deletion.
Coding change: c.576+5del on transcript NM_002796.3 (MANE Select); 5 bases into the intron after coding-DNA position 576, one base deleted (G; older notation c.576+5delG).
Molecular consequence: intron variant.
Genome position (GRCh38, 1-based): chr1:151,400,850, G deleted. VCF-style (leftmost placement, unchanged base first): chr1-151400849-AG-A. GRCh37 (hg19) VCF-style: chr1-151373325-AG-A.
Identifiers: ClinVar variation 1986564 (VCV001986564.4), dbSNP rs1319481519, ClinGen allele CA889336567.
Genomic context (GRCh38, chr1:151,400,849, plus strand): 5'-GGTGTAGCCTATGAAGCCCCTTCGCTGGCCACTGGTTATGGTGCATACTTGGCTCAGGTA[AG>A]TAGTAAGTCTAGAGGTGGGGGAAAGGGAAGACAAAAGGAAATGGATTAGTGGTTGTCTGC-3'

ClinVar aggregate classification (germline): Uncertain significance (1 of 4 stars; one submission).

Allele frequency attached by ClinVar (database versions not stated): gnomAD 0.00001; TOPMed 0.00002.

Submission:

Labcorp Genetics (formerly Invitae), Labcorp
Classification: Uncertain significance. Last evaluated: 2022-03-18. Review status: criteria provided, single submitter. Criteria: Invitae Variant Classification Sherloc (09022015). Collection method: clinical testing. Allele origin: germline.
Comment: This sequence change falls in intron 4 of the PSMB4 gene. It does not directly change the encoded amino acid sequence of the PSMB4 protein. It affects a nucleotide within the consensus splice site. This variant is not present in population databases (gnomAD no frequency). This variant has not been reported in the literature in individuals affected with PSMB4-related conditions. Variants that disrupt the consensus splice site are a relatively common cause of aberrant splicing (PMID: 17576681, 9536098). Algorithms developed to predict the effect of sequence changes on RNA splicing suggest that this variant may disrupt the consensus splice site. In summary, the available evidence is currently insufficient to determine the role of this variant in disease. Therefore, it has been classified as a Variant of Uncertain Significance.

Literature cited by the submitters: PubMed 17576681; PubMed 9536098.